The following is an entry in ClinVar:

NM_000399.5(EGR2):c.518_520del (p.Pro173_Tyr174delinsHis)

Gene: EGR2 (early growth response 2; minus strand). Cytogenetic location: 10q21.3.
Variant type: Deletion.
Coding change: c.518_520del on transcript NM_000399.5 (MANE Select); coding-DNA positions 518 to 520, 3 bases deleted (CTT; older notation c.518_520delCTT).
Protein change: p.Pro173_Tyr174delinsHis.
Molecular consequence: inframe indel.
Genome position (GRCh38, 1-based): chr10:62,814,118-62,814,120, AAG deleted on the plus strand (CTT on the coding strand, the reverse complement: EGR2 is on the minus strand). VCF-style (leftmost placement, unchanged base first): chr10-62814117-TAAG-T. GRCh37 (hg19) VCF-style: chr10-64573877-TAAG-T.
Other names: c.518_520del, p.Pro173_Tyr174delinsHis (NM_001136177.3, NM_001136178.2); c.368_370del, p.Pro123_Tyr124delinsHis (NM_001136179.3, NM_001321037.2); c.557_559delCTT, p.Pro186_Tyr187delinsHis (NM_001410931.1).
Identifiers: ClinVar variation 2015456 (VCV002015456.4), dbSNP rs2492299481, ClinGen allele CA2580081963.

ClinVar aggregate classification (germline): Uncertain significance (1 of 4 stars; one submission).

Conditions:
Charcot-Marie-Tooth disease, type I (CMT1). Also called: Charcot-Marie-Tooth, Type 1; Charcot-Marie-Tooth disease type 1. Identifiers: Orphanet 65753, MedGen C0751036, MONDO:0019011.

Submission:

Labcorp Genetics (formerly Invitae), Labcorp
Classification: Uncertain significance for Charcot-Marie-Tooth disease, type I. Last evaluated: 2022-02-18. Review status: criteria provided, single submitter. Criteria: Invitae Variant Classification Sherloc (09022015). Collection method: clinical testing. Allele origin: germline.
Comment: In summary, the available evidence is currently insufficient to determine the role of this variant in disease. Therefore, it has been classified as a Variant of Uncertain Significance. Experimental studies and prediction algorithms are not available or were not evaluated, and the functional significance of this variant is currently unknown. This variant has not been reported in the literature in individuals affected with EGR2-related conditions. This variant is not present in population databases (gnomAD no frequency). This variant, c.518_520del, is a complex sequence change that results in the deletion of 2 and insertion of 1 amino acid(s) in the EGR2 protein (p.Pro173_Tyr174delinsHis).